The following is an entry in ClinVar:

NM_005343.4(HRAS):c.304C>T (p.Arg102Trp)

Genes: HRAS (HRas proto-oncogene, GTPase; minus strand), LRRC56 (leucine rich repeat containing 56; plus strand). Cytogenetic location: 11p15.5.
Variant type: single nucleotide variant.
Coding change: c.304C>T on transcript NM_005343.4 (MANE Select); coding-DNA position 304, C replaced by T.
Protein change: p.Arg102Trp; replaces arginine 102 with tryptophan.
Molecular consequence: missense variant. On other transcripts: 5 prime UTR variant (1).
Genome position (GRCh38, 1-based): chr11:533,599, G>A on the plus strand (C>T on the coding strand, the complement: HRAS is on the minus strand). VCF-style: chr11-533599-G-A. GRCh37 (hg19) VCF-style: chr11-533599-G-A.
Other names: c.304C>T, p.Arg102Trp (NM_001130442.3, NM_176795.5); c.-16C>T (NM_001318054.2); short protein forms R102W.
Identifiers: ClinVar variation 372666 (VCV000372666.10), dbSNP rs1057517913, ClinGen allele CA16042846.

ClinVar aggregate classification (germline): Uncertain significance. Review status: criteria provided, multiple submitters, no conflicts (2 of 4 stars). 2 submissions from 2 submitters: Uncertain significance (2). Last evaluated 2025-08-03.

Conditions:
Costello syndrome (CSTLO). Also called: FACIOCUTANEOSKELETAL SYNDROME; FCS SYNDROME; HRAS-Related Costello Syndrome. Identifiers: Orphanet 3071, MedGen C0587248, MONDO:0009026, OMIM 218040.

Allele frequency attached by ClinVar (database versions not stated): gnomAD 0.00001; TOPMed below 0.00001.
gnomAD v4.1: 3 of 1,613,716 alleles (0.00019%); highest among the groups gnomAD compares: African/African-American, 0.0027%; no homozygotes.

Submissions (2):

Labcorp Genetics (formerly Invitae), Labcorp
Classification: Uncertain significance for Costello syndrome. Last evaluated: 2025-08-03. Review status: criteria provided, single submitter. Criteria: Invitae Variant Classification Sherloc (09022015). Collection method: clinical testing. Allele origin: germline.
Comment: This sequence change replaces arginine, which is basic and polar, with tryptophan, which is neutral and slightly polar, at codon 102 of the HRAS protein (p.Arg102Trp). This variant is not present in population databases (gnomAD no frequency). This variant has not been reported in the literature in individuals affected with HRAS-related conditions. ClinVar contains an entry for this variant (Variation ID: 372666). Invitae Evidence Modeling of protein sequence and biophysical properties (such as structural, functional, and spatial information, amino acid conservation, physicochemical variation, residue mobility, and thermodynamic stability) has been performed for this missense variant. However, the output from this modeling did not meet the statistical confidence thresholds required to predict the impact of this variant on HRAS protein function. In summary, the available evidence is currently insufficient to determine the role of this variant in disease. Therefore, it has been classified as a Variant of Uncertain Significance.

GeneDx
Classification: Uncertain significance. Last evaluated: 2015-08-28. Review status: criteria provided, single submitter. Criteria: GeneDx Variant Classification (06012015). Collection method: clinical testing. Allele origin: germline. Affected: yes.
Comment: The R102W variant has not been published as a pathogenic or been reported as a benign to our knowledge. The R102W variant was not observed in approximately 6,500 individuals of European and African American ancestry in the NHLBI Exome Sequencing Project, indicating it is not a common benign variant in these populations. Additionally, the R102W variant is a non-conservative amino acid substitution, which is likely to impact secondary protein structure as these residues differ in polarity, charge, size and/or other properties. Moreover, this substitution occurs at a position conserved across species. Consequently, in silico analysis predicts this variant is probably damaging to the protein structure/function. However, no missense variants in nearby residues have been reported in the Human Gene Mutation Database in association with Costello syndrome (Stenson et al., 2014).